The following is an entry in ClinVar:

NM_000179.3(MSH6):c.3725_3737del (p.Arg1242fs)

Gene: MSH6 (mutS homolog 6; plus strand). Cytogenetic location: 2p16.3.
Variant type: Deletion.
Coding change: c.3725_3737del on transcript NM_000179.3 (MANE Select); coding-DNA positions 3725 to 3737, 13 bases deleted (GTACATTATTTTC).
Protein change: p.Arg1242fs; shifts the reading frame from arginine 1242.
Molecular consequence: frameshift variant.
Genome position (GRCh38, 1-based): chr2:47,806,282-47,806,294, GTACATTATTTTC deleted; deleting any 13 consecutive bases within chr2:47,806,280-47,806,294 gives the same sequence; the c. name uses the placement nearest the transcript's 3' end. VCF-style (leftmost placement, unchanged base first): chr2-47806279-GTCGTACATTATTT-G. GRCh37 (hg19) VCF-style: chr2-48033418-GTCGTACATTATTT-G.
Other names: c.3335_3347del, p.Arg1112fs (NM_001281492.2); c.2819_2831del, p.Arg940fs (NM_001281493.2, NM_001281494.2); short protein forms R940fs, R1112fs.
Identifiers: ClinVar variation 89453 (VCV000089453.6), dbSNP rs587779287, ClinGen allele CA014056.

ClinVar aggregate classification (germline): Pathogenic. Review status: reviewed by expert panel (3 of 4 stars). 3 submissions from 3 submitters: Pathogenic (1). 2 of the submissions do not count toward it. Last evaluated 2013-09-05.

Conditions:
Hereditary cancer-predisposing syndrome. Also called: Tumor predisposition; Hereditary Cancer Syndrome; Hereditary neoplastic syndrome; Neoplastic Syndromes, Hereditary. Identifiers: Orphanet 140162, MedGen C0027672, MeSH D009386, MONDO:0015356.
Lynch syndrome. Identifiers: Orphanet 144, MedGen C4552100, MONDO:0005835. Disease mechanism: loss of function.
Lynch syndrome 5 (LYNCH5). Also called: Colorectal cancer, hereditary nonpolyposis, type 5; Hereditary non-polyposis colorectal cancer, type 5. Identifiers: Orphanet 144, MedGen C1833477, MONDO:0013710, OMIM 614350. Disease mechanism: loss of function.

Submissions (3):

International Society for Gastrointestinal Hereditary Tumours (InSiGHT)
Classification: Pathogenic for Lynch Syndrome. Last evaluated: 2013-09-05. Review status: reviewed by expert panel. Criteria: Guidelines v1.9. Collection method: research. Allele origin: germline.
Comment: Coding sequence variation resulting in a stop codon

Classified with v1.9 guidelines

Myriad Genetics, Inc.
Classification: Pathogenic for Lynch syndrome 5. Last evaluated: 2023-08-25. Review status: criteria provided, single submitter. Criteria: Myriad Autosomal Dominant, Autosomal Recessive and X-Linked Classification Criteria (2023). Collection method: clinical testing. Allele origin: unknown. Not counted in ClinVar's aggregate classification.
Comment: This variant is considered pathogenic. This variant creates a frameshift predicted to result in premature protein truncation.

Color Diagnostics, LLC DBA Color Health
Classification: Pathogenic for Hereditary cancer-predisposing syndrome. Last evaluated: 2019-08-22. Review status: criteria provided, single submitter. Criteria: ACMG Guidelines, 2015. Collection method: clinical testing. Allele origin: germline. Not counted in ClinVar's aggregate classification.
Comment: This variant deletes 13 nucleotides in exon 8 of the MSH6 gene, creating a frameshift and premature translation stop signal. This variant is expected to result in an absent or non-functional protein product. Splice site prediction tools suggest that this variant may not impact RNA splicing. To our knowledge, functional studies have not been performed for this variant. This variant has not been reported in individuals affected with hereditary cancer in the literature. This variant has not been identified in the general population by the Genome Aggregation Database (gnomAD). Loss of MSH6 function is a known mechanism of disease. Based on the available evidence, this variant is classified as Pathogenic.